The following is an entry in ClinVar:

ClinVar aggregate classification (germline): Pathogenic (1 of 4 stars; one submission).

Conditions:
Neurofibromatosis, type 1 (NF1). Also called: VON RECKLINGHAUSEN DISEASE; Neurofibromatosis, type I; NEUROFIBROMATOSIS, TYPE I, SOMATIC; Peripheral type neurofibromatosis. Identifiers: Orphanet 636, MedGen C0027831, MONDO:0018975, OMIM 162200. Disease mechanism: loss of function.

Submission:

Labcorp Genetics (formerly Invitae), Labcorp
Classification: Pathogenic for Neurofibromatosis, type 1. Last evaluated: 2023-10-18. Review status: criteria provided, single submitter. Criteria: Invitae Variant Classification Sherloc (09022015). Collection method: clinical testing. Allele origin: germline.
Comment: This sequence change replaces asparagine, which is neutral and polar, with lysine, which is basic and polar, at codon 1430 of the NF1 protein (p.Asn1430Lys). This variant is not present in population databases (gnomAD no frequency). This missense change has been observed in individual(s) with clinical features of neurofibromatosis type I (Invitae). Advanced modeling of protein sequence and biophysical properties (such as structural, functional, and spatial information, amino acid conservation, physicochemical variation, residue mobility, and thermodynamic stability) performed at Invitae indicates that this missense variant is expected to disrupt NF1 protein function with a positive predictive value of 95%. This variant disrupts the p.Asn1430 amino acid residue in NF1. Other variant(s) that disrupt this residue have been determined to be pathogenic (PMID: 21567923, 27322474, 28422438). This suggests that this residue is clinically significant, and that variants that disrupt this residue are likely to be disease-causing. For these reasons, this variant has been classified as Pathogenic.

Literature cited by the submitters: PubMed 21567923; PubMed 27322474; PubMed 28422438.

NM_001042492.3(NF1):c.4353T>A (p.Asn1451Lys)

Gene: NF1 (neurofibromin 1; plus strand). Cytogenetic location: 17q11.2.
Variant type: single nucleotide variant.
Coding change: c.4353T>A on transcript NM_001042492.3 (MANE Select); coding-DNA position 4353, T replaced by A.
Protein change: p.Asn1451Lys; replaces asparagine 1451 with lysine.
Molecular consequence: missense variant.
Genome position (GRCh38, 1-based): chr17:31,259,052, T>A. VCF-style: chr17-31259052-T-A. GRCh37 (hg19) VCF-style: chr17-29586070-T-A.
Other names: c.4290T>A, p.Asn1430Lys (NM_000267.4); short protein forms N1430K, N1451K.
Identifiers: ClinVar variation 2769718 (VCV002769718.3), dbSNP rs2508413593, ClinGen allele CA398998744.